The following is an entry in ClinVar:

NM_017763.6(RNF43):c.922A>G (p.Thr308Ala)

Gene: RNF43 (ring finger protein 43; minus strand). Cytogenetic location: 17q22.
Variant type: single nucleotide variant.
Coding change: c.922A>G on transcript NM_017763.6 (MANE Select); coding-DNA position 922, A replaced by G.
Protein change: p.Thr308Ala; replaces threonine 308 with alanine.
Molecular consequence: missense variant.
Genome position (GRCh38, 1-based): chr17:58,360,179, T>C on the plus strand (A>G on the coding strand, the complement: RNF43 is on the minus strand). VCF-style: chr17-58360179-T-C. GRCh37 (hg19) VCF-style: chr17-56437540-T-C.
Other names: c.922A>G, p.Thr308Ala (NM_001305544.3); c.541A>G, p.Thr181Ala (NM_001305545.2); short protein forms T181A, T308A.
Identifiers: ClinVar variation 3946836 (VCV003946836.1).

ClinVar aggregate classification (germline): Uncertain significance (1 of 4 stars; one submission).

Submission:

Ambry Genetics
Classification: Uncertain significance. Last evaluated: 2025-03-28. Review status: criteria provided, single submitter. Criteria: Ambry Variant Classification Scheme 2023. Collection method: clinical testing. Allele origin: germline.
Comment: The p.T308A variant (also known as c.922A>G), located in coding exon 7 of the RNF43 gene, results from an A to G substitution at nucleotide position 922. The threonine at codon 308 is replaced by alanine, an amino acid with similar properties. This amino acid position is conserved. In addition, the in silico prediction for this alteration is inconclusive. Based on the available evidence, the clinical significance of this variant remains unclear.